The following is an entry in ClinVar:

ClinVar aggregate classification (germline): Likely pathogenic (1 of 4 stars; one submission).

Submission:

GeneDx
Classification: Likely pathogenic. Last evaluated: 2017-03-09. Review status: criteria provided, single submitter. Criteria: GeneDx Variant Classification (06012015). Collection method: clinical testing. Allele origin: germline. Affected: yes.
Comment: A variant that is likely pathogenic has been identified in the ATP1A2 gene. The c.882_897del16 variant has not been published as a pathogenic variant, nor has it been reported as a benign variant to our knowledge. It is not observed in large population cohorts (Lek et al., 2016; 1000 Genomes Consortium et al., 2015; Exome Variant Server). The c.882_897del16 variant causes a frameshift starting with codon Glycine 295, changes this amino acid to a Tryptophan residue and creates a premature Stop codon at position 27 of the new reading frame, denoted p.Gly295TrpfsX27. This variant is predicted to cause loss of normal protein function either through protein truncation or nonsense-mediated mRNA decay. Therefore, the c.882_897del16 variant is likely pathogenic; however, the possibility that it is benign cannot be excluded.

NM_000702.4(ATP1A2):c.882_897del (p.Gly295fs)

Gene: ATP1A2 (ATPase Na+/K+ transporting subunit alpha 2; plus strand). Cytogenetic location: 1q23.2.
Variant type: Deletion.
Coding change: c.882_897del on transcript NM_000702.4 (MANE Select); coding-DNA positions 882 to 897, 16 bases deleted (AGGGGTCGCTGTATTC).
Protein change: p.Gly295fs; shifts the reading frame from glycine 295.
Molecular consequence: frameshift variant.
Genome position (GRCh38, 1-based): chr1:160,127,685-160,127,700, AGGGGTCGCTGTATTC deleted; deleting any 16 consecutive bases within chr1:160,127,684-160,127,700 gives the same sequence; the c. name uses the placement nearest the transcript's 3' end. VCF-style (leftmost placement, unchanged base first): chr1-160127683-ACAGGGGTCGCTGTATT-A. GRCh37 (hg19) VCF-style: chr1-160097473-ACAGGGGTCGCTGTATT-A.
Other names: c.882_897delAGGGGTCGCTGTATTC (NM_000702.3); short protein forms G295fs.
Identifiers: ClinVar variation 424054 (VCV000424054.2), dbSNP rs1064796771, ClinGen allele CA16617008.